The following is an entry in ClinVar:

NM_000222.3(KIT):c.528A>G (p.Lys176=)

Gene: KIT (KIT proto-oncogene, receptor tyrosine kinase; plus strand). Cytogenetic location: 4q12.
Variant type: single nucleotide variant.
Coding change: c.528A>G on transcript NM_000222.3 (MANE Select); coding-DNA position 528, A replaced by G.
Protein change: p.Lys176=; no amino-acid change (lysine 176 retained).
Molecular consequence: synonymous variant.
Genome position (GRCh38, 1-based): chr4:54,698,474, A>G. VCF-style: chr4-54698474-A-G. GRCh37 (hg19) VCF-style: chr4-55564640-A-G.
Other names: c.528A>G, p.Lys176= (NM_001093772.2, NM_001385284.1, NM_001385285.1 and 4 more transcripts).
Identifiers: ClinVar variation 729259 (VCV000729259.15), dbSNP rs532461931, ClinGen allele CA2923259.
Genomic context (GRCh38, chr4:54,698,474, plus strand): 5'-TCCCAAGGACTTGAGGTTTATTCCTGACCCCAAGGCGGGCATCATGATCAAAAGTGTGAA[A>G]CGCGCCTACCATCGGCTCTGTCTGCATTGTTCTGTGGACCAGGAGGGCAAGTCAGTGCTG-3'
Protein context (NP_000213.1, residues 166-186): PKAGIMIKSV[Lys176=]RAYHRLCLHC

ClinVar aggregate classification (germline): Benign/Likely benign. Review status: criteria provided, multiple submitters, no conflicts (2 of 4 stars). 4 submissions from 4 submitters: Benign (1); Likely benign (3). Last evaluated 2026-06-03.

Conditions:
Gastrointestinal stromal tumor. Also called: Gastrointestinal stromal tumor, somatic; Gastrointestinal stroma tumor. Identifiers: Orphanet 44890, MedGen C0238198, MeSH D046152, MONDO:0011719, OMIM 606764, HP:0100723.
Hereditary cancer-predisposing syndrome. Also called: Neoplastic Syndromes, Hereditary; Hereditary Cancer Syndrome; Hereditary neoplastic syndrome; Tumor predisposition. Identifiers: Orphanet 140162, MedGen C0027672, MeSH D009386, MONDO:0015356.

Allele frequency attached by ClinVar (database versions not stated): gnomAD exomes below 0.00001 and 0.00002; gnomAD 0.00001; ExAC 0.00002; TOPMed 0.00002; 1000 Genomes Project 0.00020; 1000 Genomes Project 30x 0.00031.
gnomAD v4.1: 4 of 1,614,154 alleles (0.00025%); highest among the groups gnomAD compares: East Asian, 0.0067%; no homozygotes.

Submissions (4):

Myriad Genetics, Inc.
Classification: Benign for Gastrointestinal stromal tumor. Last evaluated: 2026-06-03. Review status: criteria provided, single submitter. Criteria: Myriad Autosomal Dominant, Autosomal Recessive and X-Linked Classification Criteria (2023). Collection method: clinical testing. Allele origin: unknown.
Comment: This variant is considered benign. This variant is a silent/synonymous amino acid change and it is not expected to impact splicing.

Labcorp Genetics (formerly Invitae), Labcorp
Classification: Likely benign for Gastrointestinal stromal tumor. Last evaluated: 2026-01-06. Review status: criteria provided, single submitter. Criteria: Invitae Variant Classification Sherloc (09022015). Collection method: clinical testing. Allele origin: germline.

Ambry Genetics
Classification: Likely benign for Hereditary cancer-predisposing syndrome. Last evaluated: 2023-07-28. Review status: criteria provided, single submitter. Criteria: Ambry Variant Classification Scheme 2023. Collection method: clinical testing. Allele origin: germline.

Sema4
Classification: Likely benign for Hereditary cancer-predisposing syndrome. Last evaluated: 2021-05-18. Review status: criteria provided, single submitter. Criteria: Sema4 Curation Guidelines. Collection method: curation. Allele origin: germline.